The following is an entry in ClinVar:

NM_001352754.2(ARMC9):c.2232C>T (p.Pro744=)

Genes: ARMC9 (armadillo repeat containing 9; plus strand), LOC122861306 (Sharpr-MPRA regulatory region 9410; plus strand). Cytogenetic location: 2q37.1.
Variant type: single nucleotide variant.
Coding change: c.2232C>T on transcript NM_001352754.2 (MANE Select); coding-DNA position 2232, C replaced by T.
Protein change: p.Pro744=; no amino-acid change (proline 744 retained).
Molecular consequence: synonymous variant.
Genome position (GRCh38, 1-based): chr2:231,360,854, C>T. VCF-style: chr2-231360854-C-T. GRCh37 (hg19) VCF-style: chr2-232225565-C-T.
Other names: c.2232C>T (NM_001271466.3); c.2232C>T, p.Pro744= (NM_001271466.4).
Identifiers: ClinVar variation 1462209 (VCV001462209.11), dbSNP rs1219700669, ClinGen allele CA431742376.

ClinVar aggregate classification (germline): Likely benign. Review status: criteria provided, multiple submitters, no conflicts (2 of 4 stars). 3 submissions from 3 submitters: Likely benign (2). 1 of the submissions does not count toward it. Last evaluated 2026-06-01.

Conditions:
ARMC9-related disorder. Also called: ARMC9-related condition.

Allele frequency attached by ClinVar (database versions not stated): TOPMed 0.00007; gnomAD exomes 0.00012; 1000 Genomes Project 30x 0.00016; gnomAD 0.00006.
gnomAD v4.1: 34 of 1,534,966 alleles (0.0022%); highest among the groups gnomAD compares: East Asian, 0.066%; no homozygotes.

Submissions (3):

CeGaT Center for Human Genetics Tuebingen
Classification: Likely benign. Last evaluated: 2026-06-01. Review status: criteria provided, single submitter. Criteria: CeGaT Center For Human Genetics Tuebingen Variant Classification Criteria Version 2. Collection method: clinical testing. Allele origin: germline. Affected: yes. Observed: 1 variant allele.
Comment: ARMC9: BP4, BP7

Labcorp Genetics (formerly Invitae), Labcorp
Classification: Likely benign. Last evaluated: 2025-02-13. Review status: criteria provided, single submitter. Criteria: Invitae Variant Classification Sherloc (09022015). Collection method: clinical testing. Allele origin: germline.

PreventionGenetics, part of Exact Sciences
Classification: Likely benign for ARMC9-related condition. Last evaluated: 2024-03-24. Review status: no assertion criteria provided. Collection method: clinical testing. Allele origin: germline. Not counted in ClinVar's aggregate classification.
Comment: This variant is classified as likely benign based on ACMG/AMP sequence variant interpretation guidelines (Richards et al. 2015 PMID: 25741868, with internal and published modifications).